The following is an entry in ClinVar:

NM_144687.4(NLRP12):c.2791G>T (p.Glu931Ter)

Gene: NLRP12 (NLR family pyrin domain containing 12; minus strand). Cytogenetic location: 19q13.42.
Variant type: single nucleotide variant.
Coding change: c.2791G>T on transcript NM_144687.4 (MANE Select); coding-DNA position 2791, G replaced by T.
Protein change: p.Glu931Ter; replaces glutamic acid 931 with a stop codon.
Molecular consequence: nonsense. On other transcripts: intron variant (1).
Genome position (GRCh38, 1-based): chr19:53,798,379, C>A on the plus strand (G>T on the coding strand, the complement: NLRP12 is on the minus strand). VCF-style: chr19-53798379-C-A. GRCh37 (hg19) VCF-style: chr19-54301633-C-A.
Other names: c.2794G>T, p.Glu932Ter (NM_001277126.2); c.2757-2350G>T (NM_001277129.1); short protein forms E931*, E932*.
Identifiers: ClinVar variation 567880 (VCV000567880.1), dbSNP rs1404302953, ClinGen allele CA407407990.

ClinVar aggregate classification (germline): Pathogenic (1 of 4 stars; one submission).

Conditions:
Familial cold autoinflammatory syndrome 2 (FCAS2). Identifiers: Orphanet 247868, MedGen C2673198, MONDO:0012724, OMIM 611762.

Submission:

Labcorp Genetics (formerly Invitae), Labcorp
Classification: Pathogenic for Familial cold autoinflammatory syndrome 2. Last evaluated: 2018-06-04. Review status: criteria provided, single submitter. Criteria: Invitae Variant Classification Sherloc (09022015). Collection method: clinical testing. Allele origin: germline.
Comment: This sequence change creates a premature translational stop signal (p.Glu931*) in the NLRP12 gene. It is expected to result in an absent or disrupted protein product. This variant is not present in population databases (ExAC no frequency). This variant has not been reported in the literature in individuals with NLRP12-related disease. Loss-of-function variants in NLRP12 are known to be pathogenic (PMID: 18230725). For these reasons, this variant has been classified as Pathogenic.